The following is an entry in ClinVar:

NM_000057.4(BLM):c.2548_2555+12del

Gene: BLM (BLM RecQ like helicase; plus strand). Cytogenetic location: 15q26.1.
Variant type: Deletion.
Coding change: c.2548_2555+12del on transcript NM_000057.4 (MANE Select); coding-DNA position 2548 through 12 bases into the intron after coding-DNA position 2555, 20 bases deleted (CCTCAGGTGTAAGTTGTTGC).
Molecular consequence: splice donor variant.
Genome position (GRCh38, 1-based): chr15:90,769,579-90,769,598, CCTCAGGTGTAAGTTGTTGC deleted. VCF-style (leftmost placement, unchanged base first): chr15-90769578-ACCTCAGGTGTAAGTTGTTGC-A. GRCh37 (hg19) VCF-style: chr15-91312808-ACCTCAGGTGTAAGTTGTTGC-A.
Other names: c.2548_2555+12del (NM_001287246.2, NM_001287247.2); c.1423_1430+12del (NM_001287248.2).
Identifiers: ClinVar variation 2118703 (VCV002118703.4), dbSNP rs2505457501, ClinGen allele CA2580090745.

ClinVar aggregate classification (germline): Likely pathogenic (1 of 4 stars; one submission).

Conditions:
Bloom syndrome (BLM). Also called: Bloom-Torre-Machacek syndrome. Identifiers: Orphanet 125, MedGen C0005859, MONDO:0008876, OMIM 210900.

Submission:

Labcorp Genetics (formerly Invitae), Labcorp
Classification: Likely pathogenic for Bloom syndrome. Last evaluated: 2024-04-30. Review status: criteria provided, single submitter. Criteria: Invitae Variant Classification Sherloc (09022015). Collection method: clinical testing. Allele origin: germline.
Comment: This variant results in the deletion of part of exon 12 (c.2548_2555+12del) of the BLM gene. It is expected to disrupt RNA splicing. Variants that disrupt the donor or acceptor splice site typically lead to a loss of protein function (PMID: 16199547), and loss-of-function variants in BLM are known to be pathogenic (PMID: 17407155). This variant is not present in population databases (gnomAD no frequency). This variant has not been reported in the literature in individuals affected with BLM-related conditions. ClinVar contains an entry for this variant (Variation ID: 2118703). In summary, the currently available evidence indicates that the variant is pathogenic, but additional data are needed to prove that conclusively. Therefore, this variant has been classified as Likely Pathogenic.

Literature cited by the submitters: PubMed 16199547; PubMed 17407155.